The following is an entry in ClinVar:

NM_144596.4(TTC8):c.949G>A (p.Glu317Lys)

Gene: TTC8 (tetratricopeptide repeat domain 8; plus strand). Cytogenetic location: 14q31.3.
Variant type: single nucleotide variant.
Coding change: c.949G>A on transcript NM_144596.4 (MANE Select); coding-DNA position 949, G replaced by A.
Protein change: p.Glu317Lys; replaces glutamic acid 317 with lysine.
Molecular consequence: missense variant. On other transcripts: non-coding transcript variant (1).
Genome position (GRCh38, 1-based): chr14:88,870,098, G>A. VCF-style: chr14-88870098-G-A. GRCh37 (hg19) VCF-style: chr14-89336442-G-A.
Other names: c.949G>A (NM_144596.3); c.997G>A, p.Glu333Lys (NM_001288781.1); c.355G>A, p.Glu119Lys (NM_001288782.1); c.232G>A, p.Glu78Lys (NM_001288783.1); c.919G>A, p.Glu307Lys (NM_001366535.2, NM_198309.3); c.829G>A, p.Glu277Lys (NM_001366536.2, NM_198310.3); short protein forms E307K, E333K, E78K, E119K, E317K, E277K.
Identifiers: ClinVar variation 2081487 (VCV002081487.4), dbSNP rs1014022, ClinGen allele CA7302641.

ClinVar aggregate classification (germline): Uncertain significance. Review status: criteria provided, multiple submitters, no conflicts (2 of 4 stars). 3 submissions from 3 submitters: Uncertain significance (3). Last evaluated 2025-04-22.

Conditions:
Bardet-Biedl syndrome (BBS). Identifiers: Orphanet 110, MedGen C0752166, MONDO:0015229.
TTC8-related disorder. Also called: TTC8-related condition.

Allele frequency attached by ClinVar (database versions not stated): ExAC 0.00002.
gnomAD v4.1: 14 of 1,613,878 alleles (0.00087%); highest among the groups gnomAD compares: East Asian, 0.016%; no homozygotes.

Submissions (3):

PreventionGenetics, part of Exact Sciences
Classification: Uncertain significance for TTC8-related condition. Last evaluated: 2025-04-22. Review status: criteria provided, single submitter. Criteria: ACMG Guidelines, 2015. Collection method: clinical testing. Allele origin: germline.
Comment: The TTC8 c.949G>A variant is predicted to result in the amino acid substitution p.Glu317Lys. To our knowledge, this variant has not been reported in the literature. This variant is reported in 0.022% of alleles in individuals of East Asian descent in gnomAD. At this time, the clinical significance of this variant is uncertain due to the absence of conclusive functional and genetic evidence.

Labcorp Genetics (formerly Invitae), Labcorp
Classification: Uncertain significance for Bardet-Biedl syndrome. Last evaluated: 2022-11-21. Review status: criteria provided, single submitter. Criteria: Invitae Variant Classification Sherloc (09022015). Collection method: clinical testing. Allele origin: germline.
Comment: This sequence change replaces glutamic acid, which is acidic and polar, with lysine, which is basic and polar, at codon 307 of the TTC8 protein (p.Glu307Lys). In summary, the available evidence is currently insufficient to determine the role of this variant in disease. Therefore, it has been classified as a Variant of Uncertain Significance. Algorithms developed to predict the effect of sequence changes on RNA splicing suggest that this variant may disrupt the consensus splice site. Advanced modeling of protein sequence and biophysical properties (such as structural, functional, and spatial information, amino acid conservation, physicochemical variation, residue mobility, and thermodynamic stability) performed at Invitae indicates that this missense variant is not expected to disrupt TTC8 protein function. This variant has not been reported in the literature in individuals affected with TTC8-related conditions. This variant is present in population databases (rs1014022, gnomAD 0.02%).

Blueprint Genetics
Classification: Uncertain significance. Last evaluated: 2022-09-05. Review status: criteria provided, single submitter. Criteria: ACMG Guidelines, 2015. Collection method: clinical testing. Allele origin: germline.